The following is an entry in ClinVar:

NM_000465.4(BARD1):c.1904G>A (p.Trp635Ter)

Gene: BARD1 (BRCA1 associated RING domain 1; minus strand). Cytogenetic location: 2q35.
Variant type: single nucleotide variant.
Coding change: c.1904G>A on transcript NM_000465.4 (MANE Select); coding-DNA position 1904, G replaced by A.
Protein change: p.Trp635Ter; replaces tryptophan 635 with a stop codon.
Molecular consequence: nonsense. On other transcripts: missense variant (1), non-coding transcript variant (3).
Genome position (GRCh38, 1-based): chr2:214,730,508, C>T on the plus strand (G>A on the coding strand, the complement: BARD1 is on the minus strand). VCF-style: chr2-214730508-C-T. GRCh37 (hg19) VCF-style: chr2-215595232-C-T.
Other names: c.1847G>A, p.Trp616Ter (NM_001282543.2); c.551G>A, p.Trp184Ter (NM_001282545.2); c.494G>A, p.Trp165Ter (NM_001282548.2); c.365G>A, p.Gly122Glu (NM_001282549.2); short protein forms W184*, W635*, W616*, G122E, W165*.
Identifiers: ClinVar variation 945148 (VCV000945148.17), dbSNP rs1692308262, ClinGen allele CA350451351.

ClinVar aggregate classification (germline): Pathogenic/Likely pathogenic. Review status: criteria provided, multiple submitters, no conflicts (2 of 4 stars). 4 submissions from 4 submitters: Pathogenic (3); Likely pathogenic (1). Last evaluated 2025-03-04.

Conditions:
Hereditary cancer-predisposing syndrome. Also called: Neoplastic Syndromes, Hereditary; Hereditary Cancer Syndrome; Tumor predisposition; Hereditary neoplastic syndrome. Identifiers: Orphanet 140162, MedGen C0027672, MeSH D009386, MONDO:0015356.
Familial cancer of breast. Also called: hereditary breast carcinoma; BREAST CANCER, FAMILIAL; Hereditary breast cancer. Identifiers: Orphanet 227535, MedGen C0346153, MONDO:0016419, OMIM 114480. Disease mechanism: loss of function.

Submissions (4):

Center for Genomic Medicine, Rigshospitalet, Copenhagen University Hospital
Classification: Likely pathogenic. Last evaluated: 2025-03-04. Review status: criteria provided, single submitter. Criteria: ACMG Guidelines, 2015. Collection method: clinical testing. Allele origin: germline.

Ambry Genetics
Classification: Pathogenic for Hereditary cancer-predisposing syndrome. Last evaluated: 2025-02-28. Review status: criteria provided, single submitter. Criteria: Ambry Variant Classification Scheme 2023. Collection method: clinical testing. Allele origin: germline.
Comment: The p.W635* pathogenic mutation (also known as c.1904G>A), located in coding exon 10 of the BARD1 gene, results from a G to A substitution at nucleotide position 1904. This changes the amino acid from a tryptophan to a stop codon within coding exon 10. This variant is considered to be rare based on population cohorts in the Genome Aggregation Database (gnomAD). This alteration is expected to result in loss of function by premature protein truncation or nonsense-mediated mRNA decay. As such, this alteration is interpreted as a disease-causing mutation.

Labcorp Genetics (formerly Invitae), Labcorp
Classification: Pathogenic for Familial cancer of breast. Last evaluated: 2024-02-22. Review status: criteria provided, single submitter. Criteria: Invitae Variant Classification Sherloc (09022015). Collection method: clinical testing. Allele origin: germline.
Comment: This sequence change creates a premature translational stop signal (p.Trp635*) in the BARD1 gene. It is expected to result in an absent or disrupted protein product. Loss-of-function variants in BARD1 are known to be pathogenic (PMID: 20077502, 21344236). This variant is not present in population databases (gnomAD no frequency). This variant has not been reported in the literature in individuals affected with BARD1-related conditions. ClinVar contains an entry for this variant (Variation ID: 945148). For these reasons, this variant has been classified as Pathogenic.

Myriad Genetics, Inc.
Classification: Pathogenic for Familial cancer of breast. Last evaluated: 2023-05-24. Review status: criteria provided, single submitter. Criteria: Myriad Autosomal Dominant, Autosomal Recessive and X-Linked Classification Criteria (2023). Collection method: clinical testing. Allele origin: unknown.
Comment: This variant is considered pathogenic. This variant creates a termination codon and is predicted to result in premature protein truncation.

Literature cited by the submitters: PubMed 20077502 (cited by Labcorp Genetics (formerly Invitae), Labcorp); PubMed 21344236 (cited by Labcorp Genetics (formerly Invitae), Labcorp).